The following is an entry in ClinVar:

ClinVar aggregate classification (germline): Uncertain significance. Review status: criteria provided, multiple submitters, no conflicts (2 of 4 stars). 3 submissions from 3 submitters: Uncertain significance (3). Last evaluated 2025-12-29.

Conditions:
Hereditary cancer-predisposing syndrome. Also called: Neoplastic Syndromes, Hereditary; Tumor predisposition; Hereditary Cancer Syndrome; Hereditary neoplastic syndrome. Identifiers: Orphanet 140162, MedGen C0027672, MeSH D009386, MONDO:0015356.
CHEK2-related cancer predisposition (TPDS4). Also called: CHEK2-related cancer susceptibility; TUMOR PREDISPOSITION SYNDROME 4; CANCER PREDISPOSITION SYNDROME, CHEK2-RELATED. Identifiers: Orphanet 524, MedGen C5882668, MONDO:0700271, OMIM 609265.
Familial cancer of breast. Also called: BREAST CANCER, FAMILIAL; Hereditary breast cancer; hereditary breast carcinoma. Identifiers: Orphanet 227535, MedGen C0346153, MONDO:0016419, OMIM 114480. Disease mechanism: loss of function.

Submissions (3):

Labcorp Genetics (formerly Invitae), Labcorp
Classification: Uncertain significance for Familial cancer of breast. Last evaluated: 2025-12-29. Review status: criteria provided, single submitter. Criteria: Invitae Variant Classification Sherloc (09022015). Collection method: clinical testing. Allele origin: germline.
Comment: This sequence change replaces glutamic acid, which is acidic and polar, with glycine, which is neutral and non-polar, at codon 351 of the CHEK2 protein (p.Glu351Gly). This variant is not present in population databases (gnomAD no frequency). This variant has not been reported in the literature in individuals affected with CHEK2-related conditions. ClinVar contains an entry for this variant (Variation ID: 187393). An algorithm developed to predict the effect of missense changes on protein structure and function (PolyPhen-2) suggests that this variant is likely to be disruptive. In summary, the available evidence is currently insufficient to determine the role of this variant in disease. Therefore, it has been classified as a Variant of Uncertain Significance.

Ambry Genetics
Classification: Uncertain significance for Hereditary cancer-predisposing syndrome. Last evaluated: 2023-09-06. Review status: criteria provided, single submitter. Criteria: Ambry Variant Classification Scheme 2023. Collection method: clinical testing. Allele origin: germline.
Comment: The p.E351G variant (also known as c.1052A>G), located in coding exon 9 of the CHEK2 gene, results from an A to G substitution at nucleotide position 1052. The glutamic acid at codon 351 is replaced by glycine, an amino acid with similar properties. This amino acid position is highly conserved in available vertebrate species. In addition, the in silico prediction for this alteration is inconclusive. Since supporting evidence is limited at this time, the clinical significance of this alteration remains unclear.

Department of Pathology and Laboratory Medicine, Sinai Health System
Classification: Uncertain significance for CHEK2-related cancer predisposition. Last evaluated: 2020-06-17. Review status: criteria provided, single submitter. Criteria: ACMG Guidelines, 2015. Collection method: clinical testing. Allele origin: germline. Affected: yes.

NM_007194.4(CHEK2):c.1052A>G (p.Glu351Gly)

Gene: CHEK2 (checkpoint kinase 2; minus strand). Cytogenetic location: 22q12.1.
Variant type: single nucleotide variant.
Coding change: c.1052A>G on transcript NM_007194.4 (MANE Select); coding-DNA position 1052, A replaced by G.
Protein change: p.Glu351Gly; replaces glutamic acid 351 with glycine.
Molecular consequence: missense variant. On other transcripts: intron variant (3).
Genome position (GRCh38, 1-based): chr22:28,696,944, T>C on the plus strand (A>G on the coding strand, the complement: CHEK2 is on the minus strand). VCF-style: chr22-28696944-T-C. GRCh37 (hg19) VCF-style: chr22-29092932-T-C.
Other names: c.1181A>G, p.Glu394Gly (NM_001005735.3); c.389A>G, p.Glu130Gly (NM_001257387.3, NM_001437942.1); c.851A>G, p.Glu284Gly (NM_001349956.3); c.1145A>G, p.Glu382Gly (NM_001438293.1); c.1009-1071A>G (NM_145862.3); c.1102-1071A>G (NM_001438295.1); c.1138-1071A>G (NM_001438294.1); short protein forms E351G, E130G, E284G, E394G, E382G.
Identifiers: ClinVar variation 187393 (VCV000187393.14), dbSNP rs786202893, ClinGen allele CA197540.